The following is an entry in ClinVar:

ClinVar aggregate classification (germline): Likely benign. Review status: criteria provided, single submitter (1 of 4 stars). 2 submissions from 2 submitters: Likely benign (1). 1 of the submissions does not count toward it. Last evaluated 2022-05-12.

Conditions:
RIMS1-related disorder. Also called: RIMS1-related condition.

Allele frequency attached by ClinVar (database versions not stated): ExAC 0.00005.
gnomAD v4.1: 5 of 1,585,610 alleles (0.00032%); highest among the groups gnomAD compares: South Asian, 0.0046%; no homozygotes.

Submissions (2):

Labcorp Genetics (formerly Invitae), Labcorp
Classification: Likely benign. Last evaluated: 2022-05-12. Review status: criteria provided, single submitter. Criteria: Invitae Variant Classification Sherloc (09022015). Collection method: clinical testing. Allele origin: germline.

PreventionGenetics, part of Exact Sciences
Classification: Likely benign for RIMS1-related condition. Last evaluated: 2019-04-22. Review status: no assertion criteria provided. Collection method: clinical testing. Allele origin: germline. Not counted in ClinVar's aggregate classification.
Comment: This variant is classified as likely benign based on ACMG/AMP sequence variant interpretation guidelines (Richards et al. 2015 PMID: 25741868, with internal and published modifications).

NM_014989.7(RIMS1):c.1678+10C>T

Genes: RIMS1 (regulating synaptic membrane exocytosis 1; plus strand), LOC129996709 (ATAC-STARR-seq lymphoblastoid active region 24736; plus strand). Cytogenetic location: 6q13.
Variant type: single nucleotide variant.
Coding change: c.1678+10C>T on transcript NM_014989.7 (MANE Select); 10 bases into the intron after coding-DNA position 1678, C replaced by T.
Molecular consequence: intron variant.
Genome position (GRCh38, 1-based): chr6:72,183,159, C>T. VCF-style: chr6-72183159-C-T. GRCh37 (hg19) VCF-style: chr6-72892862-C-T.
Identifiers: ClinVar variation 752024 (VCV000752024.10), dbSNP rs776366319, ClinGen allele CA3885742.